The following is an entry in ClinVar:

NM_030773.4(TUBB1):c.71T>C (p.Ile24Thr)

Gene: TUBB1 (tubulin beta 1 class VI; plus strand). Cytogenetic location: 20q13.32.
Variant type: single nucleotide variant.
Coding change: c.71T>C on transcript NM_030773.4 (MANE Select); coding-DNA position 71, T replaced by C.
Protein change: p.Ile24Thr; replaces isoleucine 24 with threonine.
Molecular consequence: missense variant.
Genome position (GRCh38, 1-based): chr20:59,022,858, T>C. VCF-style: chr20-59022858-T-C. GRCh37 (hg19) VCF-style: chr20-57597913-T-C.
Other names: short protein forms I24T.
Identifiers: ClinVar variation 4739219 (VCV004739219.2).

ClinVar aggregate classification (germline): Uncertain significance. Review status: criteria provided, multiple submitters, no conflicts (2 of 4 stars). 2 submissions from 2 submitters: Uncertain significance (2). Last evaluated 2025-10-18.

Submissions (2):

Labcorp Genetics (formerly Invitae), Labcorp
Classification: Uncertain significance. Last evaluated: 2025-10-18. Review status: criteria provided, single submitter. Criteria: Invitae Variant Classification Sherloc (09022015). Collection method: clinical testing. Allele origin: germline.
Comment: This sequence change replaces isoleucine, which is neutral and non-polar, with threonine, which is neutral and polar, at codon 24 of the TUBB1 protein (p.Ile24Thr). This variant is present in population databases (rs369773468, gnomAD 0.007%). This variant has not been reported in the literature in individuals affected with TUBB1-related conditions. Invitae Evidence Modeling of protein sequence and biophysical properties (such as structural, functional, and spatial information, amino acid conservation, physicochemical variation, residue mobility, and thermodynamic stability) indicates that this missense variant is expected to disrupt TUBB1 protein function with a positive predictive value of 80%. In summary, the available evidence is currently insufficient to determine the role of this variant in disease. Therefore, it has been classified as a Variant of Uncertain Significance.

Blueprint Genetics
Classification: Uncertain significance. Last evaluated: 2018-01-09. Review status: criteria provided, single submitter. Criteria: ACMG Guidelines, 2015. Collection method: clinical testing. Allele origin: germline.